The following is an entry in ClinVar:

NM_014423.4(AFF4):c.2561G>A (p.Ser854Asn)

Gene: AFF4 (ALF transcription elongation factor 4; minus strand). Cytogenetic location: 5q31.1.
Variant type: single nucleotide variant.
Coding change: c.2561G>A on transcript NM_014423.4 (MANE Select); coding-DNA position 2561, G replaced by A.
Protein change: p.Ser854Asn; replaces serine 854 with asparagine.
Molecular consequence: missense variant.
Genome position (GRCh38, 1-based): chr5:132,892,240, C>T on the plus strand (G>A on the coding strand, the complement: AFF4 is on the minus strand). VCF-style: chr5-132892240-C-T. GRCh37 (hg19) VCF-style: chr5-132227932-C-T.
Other names: short protein forms S854N.
Identifiers: ClinVar variation 3353906 (VCV003353906.2).

ClinVar aggregate classification (germline): Likely benign. Review status: criteria provided, single submitter (1 of 4 stars). 2 submissions from 2 submitters: Likely benign (1). 1 of the submissions does not count toward it. Last evaluated 2025-05-13.

Conditions:
AFF4-related disorder. Also called: AFF4-related condition.
Inborn genetic diseases. Identifiers: MedGen C0950123, MeSH D030342.

gnomAD v4.1: 25 of 1,614,108 alleles (0.0015%); highest among the groups gnomAD compares: South Asian, 0.026%; 1 homozygote.

Submissions (2):

Ambry Genetics
Classification: Likely benign for Inborn genetic diseases. Last evaluated: 2025-05-13. Review status: criteria provided, single submitter. Criteria: Ambry Variant Classification Scheme 2023. Collection method: clinical testing. Allele origin: germline.

PreventionGenetics, part of Exact Sciences
Classification: Uncertain significance for AFF4-related condition. Last evaluated: 2024-05-31. Review status: no assertion criteria provided. Collection method: clinical testing. Allele origin: germline. Not counted in ClinVar's aggregate classification.
Comment: The AFF4 c.2561G>A variant is predicted to result in the amino acid substitution p.Ser854Asn. To our knowledge, this variant has not been reported in the literature. This variant is reported in 0.046% of alleles in individuals of South Asian descent in gnomAD. Although we suspect that this variant may be benign, at this time, the clinical significance of this variant is uncertain due to the absence of conclusive functional and genetic evidence.